The following is an entry in ClinVar:

NM_001145026.2(PTPRQ):c.2T>C (p.Met1Thr)

Gene: PTPRQ (protein tyrosine phosphatase receptor type Q; plus strand). Cytogenetic location: 12q21.31.
Variant type: single nucleotide variant.
Coding change: c.2T>C on transcript NM_001145026.2 (MANE Select); coding-DNA position 2, T replaced by C.
Protein change: p.Met1Thr; changes the start codon (methionine 1).
Molecular consequence: missense variant, initiator codon variant.
Genome position (GRCh38, 1-based): chr12:80,444,347, T>C. VCF-style: chr12-80444347-T-C. GRCh37 (hg19) VCF-style: chr12-80838127-T-C.
Other names: short protein forms M1T.
Identifiers: ClinVar variation 4687898 (VCV004687898.1).
Genomic context (GRCh38, chr12:80,444,347, plus strand): 5'-GGCAACATTTCTCTCTAGAGCCATCAATGTGATTCTACTGGCTGAAAAATGTAATAAAGA[T>C]GGATTTTCTTATCATTTTTCTTTTACTTTTTATTGGGACTTCAGAGACACAGGTATTTCG-3'
Protein context (NP_001138498.1, residues 1-11): [Met1Thr]DFLIIFLLLF

ClinVar aggregate classification (germline): Likely pathogenic (1 of 4 stars; one submission).

Conditions:
Autosomal recessive nonsyndromic hearing loss 84A. Also called: DEAFNESS, AUTOSOMAL RECESSIVE 84A; DEAFNESS, AUTOSOMAL RECESSIVE 84A, WITH VESTIBULAR DYSFUNCTION. Identifiers: Orphanet 90636, MedGen C3150654, MONDO:0013249, OMIM 613391.

Submission:

Human Genetics Bochum, Ruhr University Bochum
Classification: Likely pathogenic for Autosomal recessive nonsyndromic hearing loss 84A. Last evaluated: 2025-02-24. Review status: criteria provided, single submitter. Criteria: ACMG Guidelines, 2015. Collection method: clinical testing. Allele origin: germline. Affected: yes.
Comment: in homozygous state; ACMG criteria used to clasify this variant: PVS1_mod, PM2, PM3_sup